The following is an entry in ClinVar:

ClinVar aggregate classification (germline): Conflicting classifications of pathogenicity. Review status: criteria provided, conflicting classifications (1 of 4 stars). 5 submissions from 5 submitters: Pathogenic (1); Likely pathogenic (2); Uncertain significance (2). Last evaluated 2025-05-02.

Conditions:
Houge-Janssens syndrome 1. Also called: PPP2R5D-Related Neurodevelopmental Disorder; Hogue-Janssens syndrome 1; INTELLECTUAL DEVELOPMENTAL DISORDER, AUTOSOMAL DOMINANT 35; Intellectual disability-macrocephaly-hypotonia-behavioral abnormalities syndrome. Identifiers: Orphanet 457279, MedGen C5779996, MONDO:0014602, OMIM 616355.

Submissions (5):

Revvity Omics, Revvity
Classification: Uncertain significance for Houge-Janssens syndrome 1. Last evaluated: 2025-05-02. Review status: criteria provided, single submitter. Criteria: ACMG Guidelines, 2015. Collection method: clinical testing. Allele origin: germline.

3billion
Classification: Likely pathogenic for Houge-Janssens syndrome 1. Last evaluated: 2024-10-28. Review status: criteria provided, single submitter. Criteria: ACMG Guidelines, 2015. Collection method: clinical testing. Allele origin: germline. Affected: yes.
Comment: The variant is not observed in the gnomAD v4.1.0 dataset. Predicted Consequence/Location: Missense variant. Missense changes are a common disease-causing mechanism. In silico tool predictions suggest damaging effect of the variant on gene or gene product [REVEL: 0.67 (>=0.6, sensitivity 0.68 and specificity 0.92); 3Cnet: 0.99 (>=0.6, sensitivity 0.72 and precision 0.9)]. The same nucleotide change resulting in the same amino acid change has been previously reported to be associated with PPP2R5D related disorder (ClinVar ID: VCV001685412).Different missense changes at the same codon (p.Asp251Ala, p.Asp251His, p.Asp251Tyr, p.Asp251Val) have been reported as pathogenic/likely pathogenic with strong evidence (ClinVar ID: VCV000420814, VCV000521616, VCV000984892, VCV000985406 /PMID: 28867141, 35586607, 36216457). Therefore, this variant is classified as Likely pathogenic according to the recommendation of ACMG/AMP guideline.

Victorian Clinical Genetics Services, Murdoch Childrens Research Institute
Classification: Pathogenic for Houge-Janssens syndrome 1. Last evaluated: 2024-10-08. Review status: criteria provided, single submitter. Criteria: ACMG Guidelines, 2015. Collection method: clinical testing. Allele origin: germline. Affected: yes.
Comment: This variant is classified as Pathogenic. Evidence in support of pathogenic classification: Variant is absent from gnomAD (v2, v3 and v4); This variant has moderate previous evidence of pathogenicity in unrelated individuals. This variant has been reported once as pathogenic and once as a VUS in ClinVar by clinical laboratories. The VUS entry was counted as an affected individual with intellectual disability and seizures. This variant has been observed twice in the literature in affected individuals; once in a de novo heterozygous individual with global developmental delay and generalized hypotonia, and once in an individual with severe ID, short stature, scoliosis, and autism (DECIPHER); Other missense variants comparable to the one identified in this case have strong previous evidence for pathogenicity. Alternative changes at this position, p.(Asp251Ala), p.(Asp251Tyr), p.(Asp251His) and p.(Asp251Val) have been reported in multiple affected individuals and have supportive functional evidence (ClinVar, PMID: 36216457). Additionally, p.(Asp251Glu) has been reported as a VUS by a clinical testing laboratory; however, no supporting evidence was provided (ClinVar); Variant is located in a hotspot region or cluster of PATHOGENIC variants. Multiple pathogenic and likely pathogenic missense variants have been reported at this residue (DECIPHER); Missense variant consistently predicted to be damaging by an in silico tool or highly conserved with a major amino acid change. Additional information: Variant is predicted to result in a missense amino acid change from aspartic acid to asparagine; This variant is heterozygous; This gene is associated with autosomal dominant disease; No published segregation evidence has been identified for this variant; No published functional evidence has been identified for this variant; The mechanism of disease for this gene is not clearly established. While loss of function was demonstrated, the possibility of dominant negative has not been excluded and is also a proposed mechanism (PMID: 32074998, 26168268, 36216457); Inheritance information for this variant is not currently available in this individual.

Labcorp Genetics (formerly Invitae), Labcorp
Classification: Uncertain significance. Last evaluated: 2022-08-22. Review status: criteria provided, single submitter. Criteria: Invitae Variant Classification Sherloc (09022015). Collection method: clinical testing. Allele origin: germline.
Comment: Algorithms developed to predict the effect of missense changes on protein structure and function are either unavailable or do not agree on the potential impact of this missense change (SIFT: "Deleterious"; PolyPhen-2: "Probably Damaging"; Align-GVGD: "Class C15"). This variant disrupts the p.Asp251 amino acid residue in PPP2R5D. Other variant(s) that disrupt this residue have been determined to be pathogenic (PMID: 28867141, 32371413; Invitae). This suggests that this residue is clinically significant, and that variants that disrupt this residue are likely to be disease-causing. In summary, the available evidence is currently insufficient to determine the role of this variant in disease. Therefore, it has been classified as a Variant of Uncertain Significance. ClinVar contains an entry for this variant (Variation ID: 1685412). This sequence change replaces aspartic acid, which is acidic and polar, with asparagine, which is neutral and polar, at codon 251 of the PPP2R5D protein (p.Asp251Asn). This variant is not present in population databases (gnomAD no frequency). This variant has not been reported in the literature in individuals affected with PPP2R5D-related conditions.

Mendelics
Classification: Likely pathogenic for Houge-Janssens syndrome 1. Last evaluated: 2022-05-04. Review status: criteria provided, single submitter. Criteria: Mendelics Assertion Criteria 2019. Collection method: clinical testing. Allele origin: germline.

Literature cited by the submitters: PubMed 28867141 (cited by 3billion and Labcorp Genetics (formerly Invitae), Labcorp); PubMed 36216457 (cited by Victorian Clinical Genetics Services, Murdoch Childrens Research Institute); PubMed 32074998 (cited by Victorian Clinical Genetics Services, Murdoch Childrens Research Institute); PubMed 26168268 (cited by Victorian Clinical Genetics Services, Murdoch Childrens Research Institute); PubMed 32371413 (cited by Labcorp Genetics (formerly Invitae), Labcorp).

NM_006245.4(PPP2R5D):c.751G>A (p.Asp251Asn)

Gene: PPP2R5D (protein phosphatase 2 regulatory subunit B'delta; plus strand). Cytogenetic location: 6p21.1.
Variant type: single nucleotide variant.
Coding change: c.751G>A on transcript NM_006245.4 (MANE Select); coding-DNA position 751, G replaced by A.
Protein change: p.Asp251Asn; replaces aspartic acid 251 with asparagine.
Molecular consequence: missense variant.
Genome position (GRCh38, 1-based): chr6:43,007,959, G>A. VCF-style: chr6-43007959-G-A. GRCh37 (hg19) VCF-style: chr6-42975697-G-A.
Other names: c.298G>A, p.Asp100Asn (NM_001270476.2); c.655G>A, p.Asp219Asn (NM_180976.3); c.433G>A, p.Asp145Asn (NM_180977.3); short protein forms D100N, D145N, D219N, D251N.
Identifiers: ClinVar variation 1685412 (VCV001685412.11), dbSNP rs1762178916, ClinGen allele CA364189029.